The following is an entry in ClinVar:

ClinVar aggregate classification (germline): Pathogenic (1 of 4 stars; one submission).

Conditions:
Autosomal dominant non-syndromic intellectual disability. Identifiers: Orphanet 178469, MedGen C5680502, MONDO:0015802.

Submission:

Department of Human Genetics, University Hospital Bern, Inselspital
Classification: Pathogenic for Autosomal dominant non-syndromic intellectual disability. Last evaluated: 2026-05-03. Review status: criteria provided, single submitter. Criteria: ACMG Guidelines, 2015. Collection method: clinical testing. Allele origin: de novo. Affected: yes.
Comment: The variant leads to an early stop codon likely resulting in nonsense-mediated mRNA decay. The variant was shown to have occurred de novo and is absent from gnomAD v4.1.0. In summary, criteria PVS1, PS2_supporting and PM2_Supporting were used.

Literature cited by the submitters: PubMed 42509346.

NM_001256627.2(BRSK2):c.832G>T (p.Glu278Ter)

Gene: BRSK2 (BR serine/threonine kinase 2; plus strand). Cytogenetic location: 11p15.5.
Variant type: single nucleotide variant.
Coding change: c.832G>T on transcript NM_001256627.2 (MANE Select); coding-DNA position 832, G replaced by T.
Protein change: p.Glu278Ter; replaces glutamic acid 278 with a stop codon.
Molecular consequence: nonsense. On other transcripts: non-coding transcript variant (1).
Genome position (GRCh38, 1-based): chr11:1,445,313, G>T. VCF-style: chr11-1445313-G-T. GRCh37 (hg19) VCF-style: chr11-1466543-G-T.
Other names: c.832G>T, p.Glu278Ter (NM_001256629.2, NM_001440665.1, NM_001440666.1 and 3 more transcripts); c.970G>T, p.Glu324Ter (NM_001256630.1, NM_001440667.1); c.652G>T, p.Glu218Ter (NM_001282218.2, NM_001440669.1, NM_001440671.1 and 5 more transcripts); short protein forms E218*, E278*, E324*.
Identifiers: ClinVar variation 4849560 (VCV004849560.1).
Genomic context (GRCh38, chr11:1,445,313, plus strand): 5'-GGCCGGAGCTGATGAGCGGGTGGCCCGTCCTGTGTCCACAGAGGGGGCAAGAATGAGCCC[G>T]AACCAGAGCAGCCCATTCCTCGCAAGGTGCAGATCCGCTCGCTGCCCAGCCTGGAGGACA-3'